The following is an entry in ClinVar:

ClinVar aggregate classification (germline): Likely benign. Review status: criteria provided, multiple submitters, no conflicts (2 of 4 stars). 2 submissions from 2 submitters: Likely benign (2). Last evaluated 2020-09-01.

Conditions:
Deficiency of galactokinase. Also called: GALACTOSEMIA II; Galactokinase deficiency with cataracts. Identifiers: Orphanet 352, Orphanet 79237, MedGen C0268155, MONDO:0009255, OMIM 230200.

Allele frequency attached by ClinVar (database versions not stated): 1000 Genomes Project 0.00160; 1000 Genomes Project 30x 0.00172; TOPMed 0.00291; gnomAD 0.00356 and 0.00367; ESP Exome Variant Server 0.00485; ExAC 0.00559.
gnomAD v4.1: 8,787 of 1,610,484 alleles (0.55%); highest among the groups gnomAD compares: Non-Finnish European, 0.68%; 26 homozygotes.

Submissions (2):

GeneDx
Classification: Likely benign. Last evaluated: 2020-09-01. Review status: criteria provided, single submitter. Criteria: GeneDx Variant Classification Process June 2021. Collection method: clinical testing. Allele origin: germline. Affected: yes.

Illumina Laboratory Services, Illumina
Classification: Likely benign for Deficiency of galactokinase. Last evaluated: 2018-01-12. Review status: criteria provided, single submitter. Criteria: ICSL Variant Classification Criteria 13 December 2019. Collection method: clinical testing. Allele origin: germline.
Comment: This variant was observed in the ICSL laboratory as part of a predisposition screen in an ostensibly healthy population. It had not been previously curated by ICSL or reported in the Human Gene Mutation Database (HGMD: prior to June 1st, 2018), and was therefore a candidate for classification through an automated scoring system. Utilizing variant allele frequency, disease prevalence and penetrance estimates, and inheritance mode, an automated score was calculated to assess if this variant is too frequent to cause the disease. Based on the score and internal cut-off values, a variant classified as likely benign is not then subjected to further curation. The score for this variant resulted in a classification of likely benign for this disease.

NM_000154.2(GALK1):c.*32C>T

Gene: GALK1 (galactokinase 1; minus strand). Cytogenetic location: 17q25.1.
Variant type: single nucleotide variant.
Coding change: c.*32C>T on transcript NM_000154.2 (MANE Select); 32 bases downstream of the stop codon, C replaced by T.
Molecular consequence: 3 prime UTR variant.
Genome position (GRCh38, 1-based): chr17:75,758,024, G>A on the plus strand (C>T on the coding strand, the complement: GALK1 is on the minus strand). VCF-style: chr17-75758024-G-A. GRCh37 (hg19) VCF-style: chr17-73754105-G-A.
Identifiers: ClinVar variation 325223 (VCV000325223.8), dbSNP rs116845474, ClinGen allele CA8770679.